The following is an entry in ClinVar:

NM_021067.5(GINS1):c.307C>T (p.Arg103Ter)

Gene: GINS1 (GINS complex subunit 1; plus strand). Cytogenetic location: 20p11.21.
Variant type: single nucleotide variant.
Coding change: c.307C>T on transcript NM_021067.5 (MANE Select); coding-DNA position 307, C replaced by T.
Protein change: p.Arg103Ter; replaces arginine 103 with a stop codon.
Molecular consequence: nonsense. On other transcripts: non-coding transcript variant (1), intron variant (1).
Genome position (GRCh38, 1-based): chr20:25,418,172, C>T. VCF-style: chr20-25418172-C-T. GRCh37 (hg19) VCF-style: chr20-25398808-C-T.
Other names: c.307C>T, p.Arg103Ter (NM_001410830.1); c.76-7039C>T (NM_001410831.1); short protein forms R103*.
Identifiers: ClinVar variation 2961389 (VCV002961389.4), dbSNP rs747353819, ClinGen allele CA9796508.

ClinVar aggregate classification (germline): Uncertain significance. Review status: criteria provided, multiple submitters, no conflicts (2 of 4 stars). 2 submissions from 2 submitters: Uncertain significance (2). Last evaluated 2025-09-22.

Allele frequency attached by ClinVar (database versions not stated): ExAC 0.00001; gnomAD exomes 0.00001; gnomAD 0.00002; TOPMed 0.00002.
gnomAD v4.1: 21 of 1,588,878 alleles (0.0013%); highest among the groups gnomAD compares: Admixed American, 0.0017%; no homozygotes.

Submissions (2):

Labcorp Genetics (formerly Invitae), Labcorp
Classification: Uncertain significance. Last evaluated: 2025-09-22. Review status: criteria provided, single submitter. Criteria: Invitae Variant Classification Sherloc (09022015). Collection method: clinical testing. Allele origin: germline.
Comment: This sequence change creates a premature translational stop signal (p.Arg103*) in the GINS1 gene. It is expected to result in an absent or disrupted protein product. However, the current clinical and genetic evidence is not sufficient to establish whether loss-of-function variants in GINS1 cause disease. This variant is present in population databases (rs747353819, gnomAD 0.003%). This variant has not been reported in the literature in individuals affected with GINS1-related conditions. ClinVar contains an entry for this variant (Variation ID: 2961389). Algorithms developed to predict the effect of sequence changes on RNA splicing suggest that this variant may disrupt the consensus splice site. In summary, the available evidence is currently insufficient to determine the role of this variant in disease. Therefore, it has been classified as a Variant of Uncertain Significance.

Blueprint Genetics
Classification: Uncertain significance. Last evaluated: 2020-01-17. Review status: criteria provided, single submitter. Criteria: ACMG Guidelines, 2015. Collection method: clinical testing. Allele origin: germline.